The following is an entry in ClinVar:

NM_001113491.2(SEPTIN9):c.463G>A (p.Val155Ile)

Gene: SEPTIN9 (septin 9; plus strand). Cytogenetic location: 17q25.3.
Variant type: single nucleotide variant.
Coding change: c.463G>A on transcript NM_001113491.2 (MANE Select); coding-DNA position 463, G replaced by A.
Protein change: p.Val155Ile; replaces valine 155 with isoleucine.
Molecular consequence: missense variant. On other transcripts: 5 prime UTR variant (2).
Genome position (GRCh38, 1-based): chr17:77,402,445, G>A. VCF-style: chr17-77402445-G-A. GRCh37 (hg19) VCF-style: chr17-75398527-G-A.
Other names: c.-30G>A (NM_001113492.2, NM_001113494.1); c.442G>A, p.Val148Ile (NM_001113493.2); c.406G>A, p.Val136Ile (NM_001293695.2); c.409G>A, p.Val137Ile (NM_006640.5); short protein forms V136I, V137I, V148I, V155I.
Identifiers: ClinVar variation 2445560 (VCV002445560.4), dbSNP rs368314747, ClinGen allele CA8793218.
Genomic context (GRCh38, chr17:77,402,445, plus strand): 5'-GCCGAGGTGTTGGGCCACAAGACGCCAGAACCGGCCCCTCGGAGGACGGAGATCACCATC[G>A]TCAAACCCCAGGAGTCAGCCCACCGGAGGATGGAGCCCCCTGCCTCCAAGGTCCCCGAGG-3'
Protein context (NP_001106963.1, residues 145-165): PAPRRTEITI[Val155Ile]KPQESAHRRM

ClinVar aggregate classification (germline): Uncertain significance (1 of 4 stars; one submission).

Allele frequency attached by ClinVar (database versions not stated): gnomAD exomes 0.00001; TOPMed 0.00002; ExAC 0.00005.
gnomAD v4.1: 17 of 1,610,224 alleles (0.0011%); highest among the groups gnomAD compares: South Asian, 0.014%; no homozygotes.

Submission:

Labcorp Genetics (formerly Invitae), Labcorp
Classification: Uncertain significance. Last evaluated: 2024-10-15. Review status: criteria provided, single submitter. Criteria: Invitae Variant Classification Sherloc (09022015). Collection method: clinical testing. Allele origin: germline.
Comment: This sequence change replaces valine, which is neutral and non-polar, with isoleucine, which is neutral and non-polar, at codon 137 of the SEPT9 protein (p.Val137Ile). This variant is present in population databases (rs368314747, gnomAD 0.03%). This variant has not been reported in the literature in individuals affected with SEPT9-related conditions. ClinVar contains an entry for this variant (Variation ID: 2445560). Invitae Evidence Modeling of protein sequence and biophysical properties (such as structural, functional, and spatial information, amino acid conservation, physicochemical variation, residue mobility, and thermodynamic stability) indicates that this missense variant is not expected to disrupt SEPT9 protein function with a negative predictive value of 80%. In summary, the available evidence is currently insufficient to determine the role of this variant in disease. Therefore, it has been classified as a Variant of Uncertain Significance.